The following is an entry in ClinVar:

ClinVar aggregate classification (germline): Conflicting classifications of pathogenicity. Review status: criteria provided, conflicting classifications (1 of 4 stars). 16 submissions from 16 submitters: Pathogenic (3); Likely pathogenic (11); Uncertain significance (2). Last evaluated 2026-03-10.

Conditions:
Cardiomyopathy (CMYO). Also called: Cardiomyopathies. Identifiers: Orphanet 167848, MedGen C0878544, MONDO:0004994, HP:0001638. Inheritance: Various modes of inheritance.
Cardiovascular phenotype. Identifiers: MedGen CN230736.
Hypertrophic cardiomyopathy 7. Also called: CARDIOMYOPATHY, FAMILIAL HYPERTROPHIC, 7, MODIFIER OF; TNNI3-Related Familial Hypertrophic Cardiomyopathy; Familial hypertrophic cardiomyopathy 7. Identifiers: MedGen C1860752, MONDO:0013369, OMIM 613690.
TNNI3-related disorder. Also called: TNNI3-related condition; TNNI3-related disorders.
Hypertrophic cardiomyopathy. Also called: HYPERTROPHIC MYOCARDIOPATHY. Identifiers: Orphanet 217569, MedGen C0007194, MeSH D002312, MONDO:0005045, HP:0001639.

Allele frequency attached by ClinVar (database versions not stated): gnomAD exomes below 0.00001; ExAC 0.00001.

Submissions 1 to 11 of 16:

Victorian Clinical Genetics Services, Murdoch Childrens Research Institute
Classification: Pathogenic for Hypertrophic cardiomyopathy 7. Last evaluated: 2026-03-10. Review status: criteria provided, single submitter. Criteria: ACMG Guidelines, 2015. Collection method: clinical testing. Allele origin: germline. Affected: yes.
Comment: This variant is classified as Pathogenic. Evidence in support of pathogenic classification: Variant is present in gnomAD <0.01 (v4: 3 heterozygote(s), 0 homozygote(s)); This variant has strong previous evidence of pathogenicity in unrelated individuals. This variant has been classified as likely pathogenic/pathogenic by multiple clinical laboratories in ClinVar, with some entries specifying many being affected with hypertrophic cardiomyopathy. Additional information: Variant is predicted to result in a missense amino acid change from Arg to Gln; This variant is heterozygous; This gene is associated with both recessive and dominant disease. The recessive form of inheritance is the exception and has only been reported in a small number of families (PMIDs: 15070570, 23270746) - Alternative amino acid change(s) at the same position are present in gnomAD (highest allele count: v4: 1 heterozygote(s), 0 homozygote(s)); Variant is located in the annotated troponin domain (DECIPHER). - Missense variant with inconclusive in silico prediction and/or uninformative conservation; Gain of function and loss of function are reported mechanisms of disease in this gene. Gain of function is associated with dominant familial restrictive cardiomyopathy 1 (MIM#115210) and hypertrophic cardiomyopathy 7 (MIM#613690), while loss of function is associated with recessive dilated cardiomyopathy 2A (MIM#611880). However loss of function is not clearly established mechanism for dominant dilated cardiomyopathy 1FF (MIM#613286) (PMIDs: 19914256, 21533915, ClinGen: CCID:006406); The condition associated with this gene has incomplete penetrance (PMIDs: 15607392, 32731933); Variants in this gene are known to have variable expressivity (PMID: 23270746); Inheritance information for this variant is not currently available in this individual.

Labcorp Genetics (formerly Invitae), Labcorp
Classification: Pathogenic for Hypertrophic cardiomyopathy. Last evaluated: 2025-12-22. Review status: criteria provided, single submitter. Criteria: Invitae Variant Classification Sherloc (09022015). Collection method: clinical testing. Allele origin: germline.
Comment: This sequence change replaces arginine, which is basic and polar, with glutamine, which is neutral and polar, at codon 136 of the TNNI3 protein (p.Arg136Gln). This variant is present in population databases (rs730881069, gnomAD 0.0009%). This missense change has been observed in individuals with hypertrophic cardiomyopathy (PMID: 20624503, 22765922, 24510615, 27532257, 28356264; internal data). ClinVar contains an entry for this variant (Variation ID: 181576). An algorithm developed to predict the effect of missense changes on protein structure and function (PolyPhen-2) suggests that this variant is likely to be disruptive. For these reasons, this variant has been classified as Pathogenic.

Color Diagnostics, LLC DBA Color Health
Classification: Likely pathogenic for Cardiomyopathy. Last evaluated: 2025-08-21. Review status: criteria provided, single submitter. Criteria: ACMG Guidelines, 2015. Collection method: clinical testing. Allele origin: germline.
Comment: This missense variant replaces arginine with glutamine at codon 136 of the TNNI3 protein. Computational prediction is inconclusive regarding the impact of this variant on protein structure and function. To our knowledge, functional studies have not been reported for this variant. This variant has been reported in at least 25 individuals affected with hypertrophic cardiomyopathy (PMID: 20624503, 20800588, 22765922, 23140321, 24510615, 24793961, 25132132, 27532257, 28356264, 30297972, 35176171, 37652022). This variant has been identified in 1/248592 chromosomes in the general population by the Genome Aggregation Database (gnomAD). Based on the available evidence, this variant is classified as Likely Pathogenic.

CeGaT Center for Human Genetics Tuebingen
Classification: Likely pathogenic. Last evaluated: 2025-08-01. Review status: criteria provided, single submitter. Criteria: CeGaT Center For Human Genetics Tuebingen Variant Classification Criteria Version 2. Collection method: clinical testing. Allele origin: germline. Affected: yes. Observed: 1 variant allele.
Comment: TNNI3: PM1, PM2, PS4:Moderate, PP3

Molecular Diagnostic Laboratory for Inherited Cardiovascular Disease, Montreal Heart Institute
Classification: Likely pathogenic for Cardiovascular phenotype. Last evaluated: 2025-07-25. Review status: criteria provided, single submitter. Criteria: ACMG Guidelines, 2015. Collection method: clinical testing. Allele origin: germline. Affected: yes.
Comment: PS4, PM1, PM2, PP2

Institute of Human Genetics, University of Leipzig Medical Center
Classification: Uncertain significance for Hypertrophic cardiomyopathy 7. Last evaluated: 2025-07-10. Review status: criteria provided, single submitter. Criteria: ACMG Guidelines, 2015. Collection method: clinical testing. Allele origin: unknown. Inheritance: Autosomal dominant inheritance. Affected: yes.
Comment: Criteria applied: PS4,PM2_SUP

3billion
Classification: Likely pathogenic for Hypertrophic cardiomyopathy 7. Last evaluated: 2025-02-04. Review status: criteria provided, single submitter. Criteria: ACMG Guidelines, 2015. Collection method: clinical testing. Allele origin: germline. Affected: yes.
Comment: The variant is observed at an extremely low frequency in the gnomAD v4.1.0 dataset (total allele frequency: <0.001%). Predicted Consequence/Location: Missense variant In silico tool predictions suggest damaging effect of the variant on gene or gene product [REVEL: 0.60 (>=0.6, sensitivity 0.68 and specificity 0.92); 3Cnet: 0.87 (>=0.6, sensitivity 0.72 and precision 0.9)]. The same nucleotide change resulting in the same amino acid change has been previously reported as pathogenic/likely pathogenic with strong evidence (ClinVar ID: VCV000181576 /PMID: 20624503). Therefore, this variant is classified as Likely pathogenic according to the recommendation of ACMG/AMP guideline.

GeneDx
Classification: Likely pathogenic. Last evaluated: 2024-07-12. Review status: criteria provided, single submitter. Criteria: GeneDx Variant Classification Process June 2021. Collection method: clinical testing. Allele origin: germline. Affected: yes.
Comment: Not observed at a significant frequency in large population cohorts (gnomAD); In silico analysis supports a deleterious effect on splicing; In silico analysis indicates that this missense variant does not alter protein structure/function; This variant is associated with the following publications: (PMID: 23140321, 27532257, 20624503, 22765922, 24510615, 34426522, 33336002, 33193569, 33087929, 37652022, 25132132, 38880420, 30297972, 35176171, 24793961, 20800588)

North West Genomic Laboratory Hub, Manchester University NHS Foundation Trust
Classification: Likely pathogenic for Hypertrophic cardiomyopathy 7. Last evaluated: 2024-07-10. Review status: criteria provided, single submitter. Criteria: ACGS Best Practice Guidelines for Variant Classification in Rare Disease 2020. Collection method: clinical testing. Allele origin: germline. Affected: yes.
Comment: PS4_Str

Ambry Genetics
Classification: Likely pathogenic for Cardiovascular phenotype. Last evaluated: 2024-05-10. Review status: criteria provided, single submitter. Criteria: Ambry Variant Classification Scheme 2023. Collection method: clinical testing. Allele origin: germline.
Comment: The p.R136Q variant (also known as c.407G>A), located in coding exon 7 of the TNNI3 gene, results from a G to A substitution at nucleotide position 407. The arginine at codon 136 is replaced by glutamine, an amino acid with highly similar properties. This variant has been reported in multiple individuals with hypertrophic cardiomyopathy (Millat G et al. Eur J Med Genet. 2010 Jul;53(5):261-7; Coto E et al. J Mol Diagn, 2012 Sep;14:518-24; T; Kapplinger JD et al. J Cardiovasc Transl Res, 2014 Apr;7:347-61; Walsh R et al. Genet. Med., 2017 Feb;19:192-203; Osadnik T et al. Kardiol Pol. 2022 Feb;80(4):482-484). This amino acid position is well conserved in available vertebrate species. In addition, the in silico prediction for this alteration is inconclusive. This variant is considered to be rare based on population cohorts in the Genome Aggregation Database (gnomAD). Based on the majority of available evidence to date, this variant is likely to be pathogenic for autosomal dominant TNNI3-related cardiomyopathy; however, its clinical significance for autosomal recessive TNNI3-related dilated cardiomyopathy is uncertain.

Rady Children's Institute for Genomic Medicine, Rady Children's Hospital San Diego
Classification: Likely pathogenic for TNNI3-Related Disorders. Last evaluated: 2024-02-08. Review status: criteria provided, single submitter. Criteria: ACMG Guidelines, 2015. Collection method: clinical testing. Allele origin: germline. Affected: yes.
Comment: The c.407G>A (p.Arg136Gln) variant affects a highly conserved amino acid and is predicted by multiple in silico tools to have a deleterious effect on protein function. This variant has been previously reported as a heterozygous change in patients with hypertrophic cardiomyopathy (PMID: 20624503, 27532257, 33336002, 33087929, 34426522, 37652022). The c.407G>A (p.Arg136Gln) variant is present in the heterozygous state in the gnomAD v4 population database at a frequency of 0.0002% (3/1460818) and thus is presumed to be rare. Based on the available evidence, c.407G>A (p.Arg136Gln) is classified as Likely Pathogenic.

NM_000363.5(TNNI3):c.407G>A (p.Arg136Gln)

Gene: TNNI3 (troponin I3, cardiac type; minus strand). Cytogenetic location: 19q13.42.
Variant type: single nucleotide variant.
Coding change: c.407G>A on transcript NM_000363.5 (MANE Select); coding-DNA position 407, G replaced by A.
Protein change: p.Arg136Gln; replaces arginine 136 with glutamine.
Molecular consequence: missense variant.
Genome position (GRCh38, 1-based): chr19:55,154,172, C>T on the plus strand (G>A on the coding strand, the complement: TNNI3 is on the minus strand). VCF-style: chr19-55154172-C-T. GRCh37 (hg19) VCF-style: chr19-55665540-C-T.
Other names: p.R136Q:CGA>CAA; c.407G>A (LRG_432t1); short protein forms R136Q.
Identifiers: ClinVar variation 181576 (VCV000181576.39), dbSNP rs730881069, ClinGen allele CA021615.